The following is an entry in ClinVar:

ClinVar aggregate classification (germline): Uncertain significance (1 of 4 stars; one submission).

Submission:

Ambry Genetics
Classification: Uncertain significance. Last evaluated: 2023-05-12. Review status: criteria provided, single submitter. Criteria: Ambry Variant Classification Scheme 2023. Collection method: clinical testing. Allele origin: germline.
Comment: The p.L177R variant (also known as c.530T>G), located in coding exon 6 of the NQO1 gene, results from a T to G substitution at nucleotide position 530. The leucine at codon 177 is replaced by arginine, an amino acid with dissimilar properties. This amino acid position is conserved. In addition, this alteration is predicted to be deleterious by in silico analysis. Since supporting evidence is limited at this time, the clinical significance of this alteration remains unclear.

NM_000903.3(NQO1):c.530T>G (p.Leu177Arg)

Gene: NQO1 (NAD(P)H quinone dehydrogenase 1; minus strand). Cytogenetic location: 16q22.1.
Variant type: single nucleotide variant.
Coding change: c.530T>G on transcript NM_000903.3 (MANE Select); coding-DNA position 530, T replaced by G.
Protein change: p.Leu177Arg; replaces leucine 177 with arginine.
Molecular consequence: missense variant.
Genome position (GRCh38, 1-based): chr16:69,711,271, A>C on the plus strand (T>G on the coding strand, the complement: NQO1 is on the minus strand). VCF-style: chr16-69711271-A-C. GRCh37 (hg19) VCF-style: chr16-69745174-A-C.
Other names: c.428T>G, p.Leu143Arg (NM_001025433.2); c.416T>G, p.Leu139Arg (NM_001025434.2); c.314T>G, p.Leu105Arg (NM_001286137.2); short protein forms L139R, L143R, L105R, L177R.
Identifiers: ClinVar variation 2565189 (VCV002565189.2), dbSNP rs2151741950, ClinGen allele CA396487947.